The following is an entry in ClinVar:

ClinVar aggregate classification (germline): Likely benign. Review status: criteria provided, multiple submitters, no conflicts (2 of 4 stars). 4 submissions from 4 submitters: Likely benign (3). 1 of the submissions does not count toward it. Last evaluated 2026-01-20.

Conditions:
DNAH8-related disorder. Also called: DNAH8-related condition.
Primary ciliary dyskinesia. Also called: Ciliary dyskinesia. Identifiers: Orphanet 244, MedGen C0008780, MONDO:0016575, HP:0012265.

Allele frequency attached by ClinVar (database versions not stated): 1000 Genomes Project 0.00020; gnomAD exomes 0.00247 and 0.00119; TOPMed 0.00138; 1000 Genomes Project 30x 0.00031; ExAC 0.00108; gnomAD 0.00139 and 0.00146; ESP Exome Variant Server 0.00146.
gnomAD v4.1: 3,760 of 1,613,942 alleles (0.23%); highest among the groups gnomAD compares: Non-Finnish European, 0.3%; 8 homozygotes.

Submissions (4):

Labcorp Genetics (formerly Invitae), Labcorp
Classification: Likely benign for Primary ciliary dyskinesia. Last evaluated: 2026-01-20. Review status: criteria provided, single submitter. Criteria: Invitae Variant Classification Sherloc (09022015). Collection method: clinical testing. Allele origin: germline.

Mayo Clinic Laboratories, Mayo Clinic
Classification: Likely benign. Last evaluated: 2025-11-30. Review status: criteria provided, single submitter. Criteria: ACMG Guidelines, 2015. Collection method: clinical testing. Allele origin: germline. Observed: 2 variant alleles.

Blueprint Genetics
Classification: Likely benign. Last evaluated: 2024-10-25. Review status: criteria provided, single submitter. Criteria: ACMG Guidelines, 2015. Collection method: clinical testing. Allele origin: germline.

PreventionGenetics, part of Exact Sciences
Classification: Likely benign for DNAH8-related condition. Last evaluated: 2023-05-15. Review status: no assertion criteria provided. Collection method: clinical testing. Allele origin: germline. Not counted in ClinVar's aggregate classification.
Comment: This variant is classified as likely benign based on ACMG/AMP sequence variant interpretation guidelines (Richards et al. 2015 PMID: 25741868, with internal and published modifications).

NM_001206927.2(DNAH8):c.6856A>G (p.Ser2286Gly)

Gene: DNAH8 (dynein axonemal heavy chain 8; plus strand). Cytogenetic location: 6p21.2.
Variant type: single nucleotide variant.
Coding change: c.6856A>G on transcript NM_001206927.2 (MANE Select); coding-DNA position 6856, A replaced by G.
Protein change: p.Ser2286Gly; replaces serine 2286 with glycine.
Molecular consequence: missense variant.
Genome position (GRCh38, 1-based): chr6:38,870,428, A>G. VCF-style: chr6-38870428-A-G. GRCh37 (hg19) VCF-style: chr6-38838204-A-G.
Other names: p.Ser2286Gly; c.6205A>G, p.Ser2069Gly (NM_001371.4); short protein forms S2286G, S2069G.
Identifiers: ClinVar variation 407286 (VCV000407286.16), dbSNP rs113909197, ClinGen allele CA3789782.